The following is an entry in ClinVar:

NM_000245.4(MET):c.1659C>A (p.Ser553Arg)

Gene: MET (MET proto-oncogene, receptor tyrosine kinase; plus strand). Cytogenetic location: 7q31.2.
Variant type: single nucleotide variant.
Coding change: c.1659C>A on transcript NM_000245.4 (MANE Select); coding-DNA position 1659, C replaced by A.
Protein change: p.Ser553Arg; replaces serine 553 with arginine.
Molecular consequence: missense variant.
Genome position (GRCh38, 1-based): chr7:116,740,983, C>A. VCF-style: chr7-116740983-C-A. GRCh37 (hg19) VCF-style: chr7-116381037-C-A.
Other names: c.1659C>A, p.Ser553Arg (NM_001127500.3, NM_001324401.3); c.369C>A, p.Ser123Arg (NM_001324402.2); short protein forms S553R, S123R.
Identifiers: ClinVar variation 3872392 (VCV003872392.2).

ClinVar aggregate classification (germline): Uncertain significance (1 of 4 stars; one submission).

Conditions:
Hereditary cancer-predisposing syndrome. Also called: Neoplastic Syndromes, Hereditary; Tumor predisposition; Hereditary Cancer Syndrome; Hereditary neoplastic syndrome. Identifiers: Orphanet 140162, MedGen C0027672, MeSH D009386, MONDO:0015356.

Submission:

Ambry Genetics
Classification: Uncertain significance for Hereditary cancer-predisposing syndrome. Last evaluated: 2026-05-05. Review status: criteria provided, single submitter. Criteria: Ambry Variant Classification Scheme 2023. Collection method: clinical testing. Allele origin: germline.
Comment: The p.S553R variant (also known as c.1659C>A), located in coding exon 4 of the MET gene, results from a C to A substitution at nucleotide position 1659. The serine at codon 553 is replaced by arginine, an amino acid with dissimilar properties. This variant was reported in individual(s) with features consistent with MET-related papillary renal cell carcinoma (Ambry internal data). This amino acid position is not well conserved in available vertebrate species. In addition, this alteration is predicted to be tolerated by in silico analysis. Based on the available evidence, the clinical significance of this variant remains unclear.